The following is an entry in ClinVar:

NM_000368.5(TSC1):c.569G>C (p.Arg190Pro)

Gene: TSC1 (TSC complex subunit 1; minus strand). Cytogenetic location: 9q34.13.
Variant type: single nucleotide variant.
Coding change: c.569G>C on transcript NM_000368.5 (MANE Select); coding-DNA position 569, G replaced by C.
Protein change: p.Arg190Pro; replaces arginine 190 with proline.
Molecular consequence: missense variant.
Genome position (GRCh38, 1-based): chr9:132,921,913, C>G on the plus strand (G>C on the coding strand, the complement: TSC1 is on the minus strand). VCF-style: chr9-132921913-C-G. GRCh37 (hg19) VCF-style: chr9-135797300-C-G.
Other names: c.569G>C, p.Arg190Pro (NM_001162426.2); c.416G>C, p.Arg139Pro (NM_001162427.2); c.206G>C, p.Arg69Pro (NM_001362177.2); short protein forms R190P, R69P, R139P.
Identifiers: ClinVar variation 49058 (VCV000049058.3), dbSNP rs118203402, ClinGen allele CA007774.

ClinVar aggregate classification (germline): Likely pathogenic. Review status: criteria provided, single submitter (1 of 4 stars). 2 submissions from 2 submitters: Likely pathogenic (1). 1 of the submissions does not count toward it. Last evaluated 2016-07-06.

Conditions:
Tuberous sclerosis syndrome (TSC). Also called: Tuberous Sclerosis Complex; Tuberous sclerosis. Identifiers: Orphanet 805, MedGen C0041341, MONDO:0001734.

Submissions (2):

GeneDx
Classification: Likely pathogenic. Last evaluated: 2016-07-06. Review status: criteria provided, single submitter. Criteria: GeneDx Variant Classification (06012015). Collection method: clinical testing. Allele origin: germline. Affected: yes.
Comment: The R190P variant that is likely pathogenic has been identified in the TSC1 gene. Functional studiessuggest that the R190P variant results in decreased levels of TSC1 protein, reduced inhibition ofmTOR activity, and an abnormal intracellular localization pattern (Mozaffari et al., 2009). It was notobserved in approximately 6,500 individuals of European and African American ancestry in theNHLBI Exome Sequencing Project, indicating it is not a common benign variant in these populations.The R190P variant is a non-conservative amino acid substitution, which is likely to impact secondaryprotein structure as these residues differ in polarity, charge, size and/or other properties. Thissubstitution occurs at a position that is conserved across species, and missense variants in a nearbyresidue (L191H, L191R) have been reported in the Human Gene Mutation Database in associationwith TSC (Stenson et al., 2014). In silico analysis predicts this variant is probably damaging to theprotein structure/function. However, the vast majority of TSC1 pathogenic variants result in proteintruncation, while missense variants have been reported only rarely (Northrup et al., 2011; Au et al.,2007). Therefore, this variant is likely pathogenic; however, the possibility that it is benign cannot beexcluded.

Tuberous sclerosis database (TSC1)
No classification provided. Condition: TSC. Review status: no classification provided. Criteria: Tuberous Sclerosis Database Assertion Criteria 2015. Collection method: curation. Allele origin: germline. Affected: yes. Not counted in ClinVar's aggregate classification.